The following is an entry in ClinVar:

ClinVar aggregate classification (germline): Uncertain significance (1 of 4 stars; one submission).

Allele frequency attached by ClinVar (database versions not stated): gnomAD 0.00001; gnomAD exomes 0.00002; TOPMed 0.00002; ExAC 0.00004.
gnomAD v4.1: 34 of 1,613,586 alleles (0.0021%); highest among the groups gnomAD compares: Middle Eastern, 0.033%; no homozygotes.

Submission:

Labcorp Genetics (formerly Invitae), Labcorp
Classification: Uncertain significance. Last evaluated: 2023-05-21. Review status: criteria provided, single submitter. Criteria: Invitae Variant Classification Sherloc (09022015). Collection method: clinical testing. Allele origin: germline.
Comment: In summary, the available evidence is currently insufficient to determine the role of this variant in disease. Therefore, it has been classified as a Variant of Uncertain Significance. Advanced modeling of protein sequence and biophysical properties (such as structural, functional, and spatial information, amino acid conservation, physicochemical variation, residue mobility, and thermodynamic stability) has been performed at Invitae for this missense variant, however the output from this modeling did not meet the statistical confidence thresholds required to predict the impact of this variant on CACNA1G protein function. This variant has not been reported in the literature in individuals affected with CACNA1G-related conditions. This variant is present in population databases (rs370667544, gnomAD 0.007%). This sequence change replaces arginine, which is basic and polar, with glutamine, which is neutral and polar, at codon 415 of the CACNA1G protein (p.Arg415Gln).

NM_018896.5(CACNA1G):c.1244G>A (p.Arg415Gln)

Gene: CACNA1G (calcium voltage-gated channel subunit alpha1 G; plus strand). Cytogenetic location: 17q21.33.
Variant type: single nucleotide variant.
Coding change: c.1244G>A on transcript NM_018896.5 (MANE Select); coding-DNA position 1244, G replaced by A.
Protein change: p.Arg415Gln; replaces arginine 415 with glutamine.
Molecular consequence: missense variant. On other transcripts: non-coding transcript variant (5).
Genome position (GRCh38, 1-based): chr17:50,575,646, G>A. VCF-style: chr17-50575646-G-A. GRCh37 (hg19) VCF-style: chr17-48653007-G-A.
Other names: c.1244G>A, p.Arg415Gln (NM_001256324.2, NM_001256325.2, NM_001256326.2 and 24 more transcripts); short protein forms R415Q.
Identifiers: ClinVar variation 3002543 (VCV003002543.3), dbSNP rs370667544, ClinGen allele CA8652138.